The following is an entry in ClinVar:

NM_032242.4(PLXNA1):c.3515A>G (p.Lys1172Arg)

Gene: PLXNA1 (plexin A1; plus strand). Cytogenetic location: 3q21.3.
Variant type: single nucleotide variant.
Coding change: c.3515A>G on transcript NM_032242.4 (MANE Select); coding-DNA position 3515, A replaced by G.
Protein change: p.Lys1172Arg; replaces lysine 1172 with arginine.
Molecular consequence: missense variant.
Genome position (GRCh38, 1-based): chr3:127,017,663, A>G. VCF-style: chr3-127017663-A-G. GRCh37 (hg19) VCF-style: chr3-126736506-A-G.
Other names: short protein forms K1172R.
Identifiers: ClinVar variation 4979346 (VCV004979346.1).

ClinVar aggregate classification (germline): Uncertain significance (1 of 4 stars; one submission).

Conditions:
PLXNA1-related disorder. Also called: PLXNA1-related condition.

Submission:

PreventionGenetics, part of Exact Sciences
Classification: Uncertain significance for PLXNA1-related condition. Last evaluated: 2025-03-04. Review status: criteria provided, single submitter. Criteria: ACMG Guidelines, 2015. Collection method: clinical testing. Allele origin: germline.
Comment: The PLXNA1 c.3515A>G variant is predicted to result in the amino acid substitution p.Lys1172Arg. To our knowledge, this variant has not been reported in the literature. This variant is reported in 0.0079% of alleles in individuals of European (Non-Finnish) descent in gnomAD. At this time, the clinical significance of this variant is uncertain due to the absence of conclusive functional and genetic evidence.